The following is an entry in ClinVar:

NM_004360.5(CDH1):c.1962_1971del (p.Pro654_Lys655insTer)

Gene: CDH1 (cadherin 1; plus strand). Cytogenetic location: 16q22.1.
Variant type: Deletion.
Coding change: c.1962_1971del on transcript NM_004360.5 (MANE Select); coding-DNA positions 1962 to 1971, 10 bases deleted (AAAGATGGCC; older notation c.1962_1971delAAAGATGGCC).
Protein change: p.Pro654_Lys655insTer.
Molecular consequence: frameshift variant. On other transcripts: initiator codon variant (1).
Genome position (GRCh38, 1-based): chr16:68,823,424-68,823,433, AAAGATGGCC deleted; deleting any 10 consecutive bases within chr16:68,823,421-68,823,433 gives the same sequence; the c. name uses the placement nearest the transcript's 3' end. VCF-style (leftmost placement, unchanged base first): chr16-68823420-AGCCAAAGATG-A. GRCh37 (hg19) VCF-style: chr16-68857323-AGCCAAAGATG-A.
Other names: c.1779_1788del, p.Pro593_Lys594insTer (NM_001317184.2); c.414_423del, p.Pro138_Lys139insTer (NM_001317185.2); c.-4_6del, p.Met1fs (NM_001317186.2); short protein forms M1fs.
Identifiers: ClinVar variation 834985 (VCV000834985.9), dbSNP rs1961224909, ClinGen allele CA916081840.

ClinVar aggregate classification (germline): Pathogenic (1 of 4 stars; one submission).

Conditions:
Hereditary diffuse gastric adenocarcinoma (HDGC). Also called: DIFFUSE GASTRIC AND LOBULAR BREAST CANCER SYNDROME. Identifiers: Orphanet 26106, MedGen C1708349, MONDO:0007648, OMIM 137215.

Submission:

Labcorp Genetics (formerly Invitae), Labcorp
Classification: Pathogenic for Hereditary diffuse gastric adenocarcinoma. Last evaluated: 2019-11-25. Review status: criteria provided, single submitter. Criteria: Invitae Variant Classification Sherloc (09022015). Collection method: clinical testing. Allele origin: germline.
Comment: For these reasons, this variant has been classified as Pathogenic. Loss-of-function variants in CDH1 are known to be pathogenic (PMID: 15235021, 20373070). This variant has not been reported in the literature in individuals with CDH1-related conditions. This variant is not present in population databases (ExAC no frequency). This sequence change creates a premature translational stop signal (p.Lys655*) in the CDH1 gene. It is expected to result in an absent or disrupted protein product.

Literature cited by the submitters: PubMed 15235021; PubMed 20373070.